The following is an entry in ClinVar:

NM_001282225.2(ADA2):c.87C>T (p.Ser29=)

Gene: ADA2 (adenosine deaminase 2; minus strand). Cytogenetic location: 22q11.1.
Variant type: single nucleotide variant.
Coding change: c.87C>T on transcript NM_001282225.2 (MANE Select); coding-DNA position 87, C replaced by T.
Protein change: p.Ser29=; no amino-acid change (serine 29 retained).
Molecular consequence: synonymous variant. On other transcripts: 5 prime UTR variant (2), intron variant (1).
Genome position (GRCh38, 1-based): chr22:17,209,591, G>A on the plus strand (C>T on the coding strand, the complement: ADA2 is on the minus strand). VCF-style: chr22-17209591-G-A. GRCh37 (hg19) VCF-style: chr22-17690481-G-A.
Other names: c.87C>T, p.Ser29= (NM_001282226.2); c.-40C>T (NM_001282227.2, NM_001282228.2); c.-38-2301C>T (NM_001282229.2).
Identifiers: ClinVar variation 2652841 (VCV002652841.27), dbSNP rs755296963, ClinGen allele CA10088340.

ClinVar aggregate classification (germline): Likely benign. Review status: criteria provided, multiple submitters, no conflicts (2 of 4 stars). 2 submissions from 2 submitters: Likely benign (2). Last evaluated 2023-08-06.

Conditions:
Deficiency of adenosine deaminase 2. Also called: Polyarteritis nodosa, childhoood-onset; Adenosine Deaminase 2 Deficiency; VASCULITIS, AUTOINFLAMMATION, IMMUNODEFICIENCY, AND HEMATOLOGIC DEFECTS SYNDROME. Identifiers: Orphanet 404553, MedGen C3887654, MONDO:0014306, OMIM 615688, MONDO:0100317.

Allele frequency attached by ClinVar (database versions not stated): gnomAD exomes below 0.00001; gnomAD 0.00001; ExAC 0.00002.
gnomAD v4.1: 8 of 1,613,944 alleles (0.0005%); highest among the groups gnomAD compares: South Asian, 0.0077%; no homozygotes.

Submissions (2):

Labcorp Genetics (formerly Invitae), Labcorp
Classification: Likely benign for Deficiency of adenosine deaminase 2. Last evaluated: 2023-08-06. Review status: criteria provided, single submitter. Criteria: Invitae Variant Classification Sherloc (09022015). Collection method: clinical testing. Allele origin: germline.

CeGaT Center for Human Genetics Tuebingen
Classification: Likely benign. Last evaluated: 2023-01-01. Review status: criteria provided, single submitter. Criteria: CeGaT Center For Human Genetics Tuebingen Variant Classification Criteria Version 2. Collection method: clinical testing. Allele origin: germline. Affected: yes. Observed: 1 variant allele.
Comment: ADA2: BP4, BP7